The following is an entry in ClinVar:

NM_144672.4(OTOA):c.1521C>T (p.Ile507=)

Gene: OTOA (otoancorin). Cytogenetic location: 16p12.2.
Variant type: single nucleotide variant.
Coding change: c.1521C>T on transcript NM_144672.4 (MANE Select); coding-DNA position 1521, C replaced by T.
Protein change: p.Ile507=; no amino-acid change (isoleucine 507 retained).
Molecular consequence: synonymous variant.
Genome position (GRCh38, 1-based): chr16:21,716,939, C>T. VCF-style: chr16-21716939-C-T. GRCh37 (hg19) VCF-style: chr16-21728260-C-T.
Other names: c.1284C>T, p.Ile428= (NM_001161683.2); c.549C>T, p.Ile183= (NM_170664.3).
Identifiers: ClinVar variation 504652 (VCV000504652.8), dbSNP rs140579035, ClinGen allele CA7952673.
Genomic context (GRCh38, chr16:21,716,939, plus strand): 5'-TTGTTTTGTTGCTTCTCGCTTCTGGCAGATGGTCCAAGCGGAAGACACTGCCCCAGGCAT[C>T]GTGGAGATACAAGGGGCTTTCTTTAAGGAAGTGTCTCTCTTTGATTTAAGGAGGCAACCT-3'
Protein context (NP_653273.3, residues 497-517): MVQAEDTAPG[Ile507=]VEIQGAFFKE

ClinVar aggregate classification (germline): Likely benign. Review status: criteria provided, multiple submitters, no conflicts (2 of 4 stars). 2 submissions from 2 submitters: Likely benign (2). Last evaluated 2025-12-08.

Allele frequency attached by ClinVar (database versions not stated): gnomAD exomes 0.00002 and 0.00008; ExAC 0.00008; TOPMed 0.00011; ESP Exome Variant Server 0.00015; gnomAD 0.00019.
gnomAD v4.1: 60 of 1,613,858 alleles (0.0037%); highest among the groups gnomAD compares: African/African-American, 0.06%; no homozygotes.

Submissions (2):

Labcorp Genetics (formerly Invitae), Labcorp
Classification: Likely benign. Last evaluated: 2025-12-08. Review status: criteria provided, single submitter. Criteria: Invitae Variant Classification Sherloc (09022015). Collection method: clinical testing. Allele origin: germline.

Laboratory for Molecular Medicine, Mass General Brigham Personalized Medicine
Classification: Likely benign. Last evaluated: 2016-10-25. Review status: criteria provided, single submitter. Criteria: LMM Criteria. Collection method: clinical testing. Allele origin: germline. Observed: 1 variant allele.
Comment: p.Ile507Ile in exon 14 of OTOA: This variant is not expected to have clinical si gnificance because it does not alter an amino acid residue, is not located withi n the splice consensus sequence, and has been identified in 6/10402 African chro mosomes by the Exome Aggregation Consortium (ExAC, g; dbSNP rs140579035).